The following is an entry in ClinVar:

NM_003476.5(CSRP3):c.172T>G (p.Cys58Gly)

Gene: CSRP3 (cysteine and glycine rich protein 3; minus strand). Cytogenetic location: 11p15.1.
Variant type: single nucleotide variant.
Coding change: c.172T>G on transcript NM_003476.5 (MANE Select); coding-DNA position 172, T replaced by G.
Protein change: p.Cys58Gly; replaces cysteine 58 with glycine.
Molecular consequence: missense variant. On other transcripts: intron variant (1).
Genome position (GRCh38, 1-based): chr11:19,188,245, A>C on the plus strand (T>G on the coding strand, the complement: CSRP3 is on the minus strand). VCF-style: chr11-19188245-A-C. GRCh37 (hg19) VCF-style: chr11-19209792-A-C.
Other names: c.113-1897T>G (NM_001369404.1); short protein forms C58G.
Identifiers: ClinVar variation 8777 (VCV000008777.6), dbSNP rs104894204, ClinGen allele CA119911.
Genomic context (GRCh38, chr11:19,188,245, plus strand): 5'-CAGCGCCTTGTCCATACCCGATCCCTTTGGGGCCATATCTGCGCCCATAGCACACCTTGC[A>C]GTAGATCTCCGACTCATGAGCCGCGACTGTCGTGCTGTCAAGAGCCTTCCTGCAGGCCAC-3'
Protein context (NP_003467.1, residues 48-68): TVAAHESEIY[Cys58Gly]KVCYGRRYGP

ClinVar aggregate classification (germline): Pathogenic. Review status: criteria provided, multiple submitters, no conflicts (2 of 4 stars). 3 submissions from 3 submitters: Pathogenic (2). 1 of the submissions does not count toward it. Last evaluated 2025-10-08.

Conditions:
Cardiovascular phenotype. Identifiers: MedGen CN230736.
Dilated cardiomyopathy 1M (CMD1M). Identifiers: Orphanet 154, MedGen C1843808, MONDO:0011840, OMIM 607482.
Hypertrophic cardiomyopathy 12. Identifiers: MedGen C2677491, MONDO:0012804, OMIM 612124.

gnomAD v4.1: 2 of 1,613,266 alleles (0.00012%); highest among the groups gnomAD compares: Non-Finnish European, 0.00017%; no homozygotes.

Submissions (3):

Labcorp Genetics (formerly Invitae), Labcorp
Classification: Pathogenic for Hypertrophic cardiomyopathy 12; Dilated cardiomyopathy 1M. Last evaluated: 2025-10-08. Review status: criteria provided, single submitter. Criteria: Invitae Variant Classification Sherloc (09022015). Collection method: clinical testing. Allele origin: germline.
Comment: This sequence change replaces cysteine, which is neutral and slightly polar, with glycine, which is neutral and non-polar, at codon 58 of the CSRP3 protein (p.Cys58Gly). This variant is not present in population databases (gnomAD no frequency). This missense change has been observed in individual(s) with hypertrophic cardiomyopathy (PMID: 12642359, 18505755). It has also been observed to segregate with disease in related individuals. ClinVar contains an entry for this variant (Variation ID: 8777). An algorithm developed to predict the effect of missense changes on protein structure and function (PolyPhen-2) suggests that this variant is likely to be disruptive. Experimental studies have shown that this missense change affects CSRP3 function (PMID: 12642359, 30048712). For these reasons, this variant has been classified as Pathogenic.

Ambry Genetics
Classification: Pathogenic for Cardiovascular phenotype. Last evaluated: 2024-11-25. Review status: criteria provided, single submitter. Criteria: Ambry Variant Classification Scheme 2023. Collection method: clinical testing. Allele origin: germline.
Comment: The p.C58G variant (also known as c.172T>G), located in coding exon 2 of the CSRP3 gene, results from a T to G substitution at nucleotide position 172. The cysteine at codon 58 is replaced by glycine, an amino acid with highly dissimilar properties. This variant was identified in one or more individuals with features consistent with hypertrophic cardiomyopathy and segregated with disease in at least one family (Geier C et al. Circulation, 2003 Mar;107:1390-5; Geier C et al. Hum. Mol. Genet., 2008 Sep;17:2753-65). An animal model expressing this variant exhibited phenotype(s) consistent with CSRP3-related hypertrophic cardiomyopathy. In multiple assays testing CSRP3 function, this variant showed functionally abnormal results (Geier C et al. Circulation, 2003 Mar;107:1390-5; Geier C et al. Hum. Mol. Genet., 2008 Sep;17:2753-65; Ehsan M et al. J. Mol. Cell. Cardiol., 2018 Aug;121:287-296). This amino acid position is highly conserved in available vertebrate species. In addition, this alteration is predicted to be deleterious by in silico analysis. Based on the supporting evidence, this variant is interpreted as a disease-causing mutation; however, in the heterozygous state, this variant may present with reduced penetrance and expressivity.

OMIM
Classification: Pathogenic for CARDIOMYOPATHY, FAMILIAL HYPERTROPHIC, 12. Last evaluated: 2008-09-15. Review status: no assertion criteria provided. Collection method: literature only. Allele origin: germline. Not counted in ClinVar's aggregate classification.

Literature cited by the submitters: PubMed 12642359 (cited by 3 submitters); PubMed 18505755 (cited by 3 submitters); PubMed 30048712 (cited by Labcorp Genetics (formerly Invitae), Labcorp and Ambry Genetics); PubMed 27353086 (cited by Ambry Genetics); PubMed 30012424 (cited by Ambry Genetics).